The following is an entry in ClinVar:

NM_001037333.3(CYFIP2):c.1369A>G (p.Ile457Val)

Gene: CYFIP2 (cytoplasmic FMR1 interacting protein 2; plus strand). Cytogenetic location: 5q33.3.
Variant type: single nucleotide variant.
Coding change: c.1369A>G on transcript NM_001037333.3 (MANE Select); coding-DNA position 1369, A replaced by G.
Protein change: p.Ile457Val; replaces isoleucine 457 with valine.
Molecular consequence: missense variant.
Genome position (GRCh38, 1-based): chr5:157,319,774, A>G. VCF-style: chr5-157319774-A-G. GRCh37 (hg19) VCF-style: chr5-156746782-A-G.
Other names: c.1369A>G (NM_001037333.2); c.1291A>G, p.Ile431Val (NM_001291721.2); c.1369A>G, p.Ile457Val (NM_001291722.2, NM_014376.4); short protein forms I431V, I457V.
Identifiers: ClinVar variation 1714762 (VCV001714762.6), dbSNP rs2532391565, ClinGen allele CA361968807.
Genomic context (GRCh38, chr5:157,319,774, plus strand): 5'-TGGTGTGCTGGACATGGTGAACATGACCCTTGGCCTCTTCCTGCCCAGGTGATCGCCATG[A>G]TCAAAGGCCTGCAGGTGCTCATGGGCAGGATGGAGAGCGTCTTCAACCAGGCCATCAGGA-3'
Protein context (NP_001032410.1, residues 447-467): KFAFVEVIAM[Ile457Val]KGLQVLMGRM

ClinVar aggregate classification (germline): Uncertain significance. Review status: criteria provided, multiple submitters, no conflicts (2 of 4 stars). 2 submissions from 2 submitters: Uncertain significance (2). Last evaluated 2023-07-13.

Allele frequency attached by ClinVar (database versions not stated): gnomAD exomes 0.00001.
gnomAD v4.1: 20 of 1,614,008 alleles (0.0012%); highest among the groups gnomAD compares: Non-Finnish European, 0.0017%; no homozygotes.

Submissions (2):

Women's Health and Genetics/Laboratory Corporation of America, LabCorp
Classification: Uncertain significance. Last evaluated: 2023-07-13. Review status: criteria provided, single submitter. Criteria: LabCorp Variant Classification Summary - May 2015. Collection method: clinical testing. Allele origin: germline.
Comment: Variant summary: CYFIP2 c.1369A>G (p.Ile457Val) results in a conservative amino acid change in the encoded protein sequence. Four of five in-silico tools predict a benign effect of the variant on protein function. The variant was absent in 250498 control chromosomes (gnomAD). The available data on variant occurrences in the general population are insufficient to allow any conclusion about variant significance. To our knowledge, no occurrence of c.1369A>G in individuals affected with Developmental And Epileptic Encephalopathy, 65 and no experimental evidence demonstrating its impact on protein function have been reported. One ClinVar submitter has assessed the variant since 2014, and classified the variant as uncertain significance. Based on the evidence outlined above, the variant was classified as uncertain significance.

Labcorp Genetics (formerly Invitae), Labcorp
Classification: Uncertain significance. Last evaluated: 2022-08-02. Review status: criteria provided, single submitter. Criteria: Invitae Variant Classification Sherloc (09022015). Collection method: clinical testing. Allele origin: germline.
Comment: This variant is not present in population databases (gnomAD no frequency). This sequence change replaces isoleucine, which is neutral and non-polar, with valine, which is neutral and non-polar, at codon 457 of the CYFIP2 protein (p.Ile457Val). In summary, the available evidence is currently insufficient to determine the role of this variant in disease. Therefore, it has been classified as a Variant of Uncertain Significance. Algorithms developed to predict the effect of missense changes on protein structure and function are either unavailable or do not agree on the potential impact of this missense change (SIFT: "Tolerated"; PolyPhen-2: "Not Available"; Align-GVGD: "Class C0"). This variant has not been reported in the literature in individuals affected with CYFIP2-related conditions.